The following is an entry in ClinVar:

ClinVar aggregate classification (germline): Pathogenic. Review status: criteria provided, multiple submitters, no conflicts (2 of 4 stars). 2 submissions from 2 submitters: Pathogenic (2). Last evaluated 2025-01-22.

Conditions:
Hereditary cancer-predisposing syndrome. Also called: Hereditary Cancer Syndrome; Hereditary neoplastic syndrome; Tumor predisposition; Neoplastic Syndromes, Hereditary. Identifiers: Orphanet 140162, MedGen C0027672, MeSH D009386, MONDO:0015356.
Hereditary breast ovarian cancer syndrome. Also called: Hereditary breast and ovarian cancer syndrome (HBOC); Hereditary breast and ovarian cancer; BRCA1- and BRCA2-Associated Hereditary Breast and Ovarian Cancer; Breast and ovarian cancer; Hereditary breast and ovarian cancer syndrome; Hereditary breast and/or ovarian cancer syndrome. Identifiers: Orphanet 145, MedGen C0677776, MeSH D061325, MONDO:0003582. Disease mechanism: loss of function.

Submissions (2):

Labcorp Genetics (formerly Invitae), Labcorp
Classification: Pathogenic for Hereditary breast ovarian cancer syndrome. Last evaluated: 2025-01-22. Review status: criteria provided, single submitter. Criteria: Invitae Variant Classification Sherloc (09022015). Collection method: clinical testing. Allele origin: germline.
Comment: This sequence change creates a premature translational stop signal (p.Glu761*) in the BRCA1 gene. It is expected to result in an absent or disrupted protein product. Loss-of-function variants in BRCA1 are known to be pathogenic (PMID: 20104584). This variant is not present in population databases (gnomAD no frequency). This premature translational stop signal has been observed in individual(s) with breast and/or ovarian cancer (PMID: 25556971). ClinVar contains an entry for this variant (Variation ID: 1788951). For these reasons, this variant has been classified as Pathogenic.

Ambry Genetics
Classification: Pathogenic for Hereditary cancer-predisposing syndrome. Last evaluated: 2019-03-25. Review status: criteria provided, single submitter. Criteria: Ambry Variant Classification Scheme 2023. Collection method: clinical testing. Allele origin: germline.
Comment: The p.E761* pathogenic mutation (also known as c.2281G>T), located in coding exon 9 of the BRCA1 gene, results from a G to T substitution at nucleotide position 2281. This changes the amino acid from a glutamic acid to a stop codon within coding exon 9. This alteration has been reported in individuals with hereditary breast and ovarian cancer (Trujillano D et al. J Mol Diagn, 2015 Mar;17:162-70; Sulaiman R et al. J Cancer Sci Ther, 2017;9:358-364).This alteration is expected to result in loss of function by premature protein truncation or nonsense-mediated mRNA decay. As such, this alteration is interpreted as a disease-causing mutation.

Literature cited by the submitters: PubMed 20104584 (cited by Labcorp Genetics (formerly Invitae), Labcorp); PubMed 25556971 (cited by Labcorp Genetics (formerly Invitae), Labcorp and Ambry Genetics).

NM_007294.4(BRCA1):c.2281G>T (p.Glu761Ter)

Gene: BRCA1 (BRCA1 DNA repair associated; minus strand). Cytogenetic location: 17q21.31.
Variant type: single nucleotide variant.
Coding change: c.2281G>T on transcript NM_007294.4 (MANE Select); coding-DNA position 2281, G replaced by T.
Protein change: p.Glu761Ter; replaces glutamic acid 761 with a stop codon.
Molecular consequence: nonsense. On other transcripts: intron variant (137).
Genome position (GRCh38, 1-based): chr17:43,093,250, C>A on the plus strand (G>T on the coding strand, the complement: BRCA1 is on the minus strand). VCF-style: chr17-43093250-C-A. GRCh37 (hg19) VCF-style: chr17-41245267-C-A.
Other names: c.661+1494G>T (NM_001408435.1, NM_001408446.1, NM_001408448.1 and 6 more transcripts); c.548-2218G>T (NM_001408494.1); c.664+1494G>T (NM_001408444.1, NM_001408438.1, NM_001408430.1 and 12 more transcripts); c.671-2218G>T (NM_001408420.1, NM_001408423.1, NM_001408419.1 and 2 more transcripts); c.784+1494G>T (NM_001408401.1, NM_001408396.1, NM_001407985.1 and 13 more transcripts); c.2203G>T, p.Glu735Ter (NM_001407655.1, NM_001407656.1, NM_001407657.1 and 4 more transcripts); c.2200G>T, p.Glu734Ter (NM_001407659.1, NM_001407660.1, NM_001407661.1 and 1 more transcripts); c.2158G>T, p.Glu720Ter (NM_001407664.1, NM_001407665.1, NM_001407666.1 and 19 more transcripts); and 41 more; short protein forms E714*, E761*, E633*, E673*, E693*, E694*, E734*, E593*.
Identifiers: ClinVar variation 1788951 (VCV001788951.4), dbSNP rs397507198, ClinGen allele CA10597437.